The following is an entry in ClinVar:

ClinVar aggregate classification (germline): Conflicting classifications of pathogenicity. Review status: criteria provided, conflicting classifications (1 of 4 stars). 4 submissions from 4 submitters: Uncertain significance (1); Likely benign (3). Last evaluated 2024-03-11.

Conditions:
Connective tissue disorder. Also called: Connective tissue disease. Identifiers: MedGen C0009782, MONDO:0003900.
Frontometaphyseal dysplasia (FMD1). Identifiers: Orphanet 1826, MedGen C0265293, MONDO:0015942.
Oto-palato-digital syndrome, type II (OPD2). Also called: OPD II SYNDROME; Otopalatodigital Syndrome Type 2 (FLNA-OPD2); FACIOPALATOOSSEOUS SYNDROME; Otopalatodigital Syndrome, Type II. Identifiers: Orphanet 669, Orphanet 90652, MedGen C1844696, MONDO:0010571, OMIM 304120.
Heterotopia, periventricular, X-linked dominant (PVNH1). Also called: X-linked periventricular heterotopia; PERIVENTRICULAR NODULAR HETEROTOPIA 1; PERIVENTRICULAR NODULAR HETEROTOPIA 4; HETEROTOPIA, PERIVENTRICULAR, 1. Identifiers: Orphanet 2149, Orphanet 82004, MedGen C1848213, MONDO:0010233, OMIM 300049.
Melnick-Needles syndrome (MNS). Also called: MELNICK-NEEDLES OSTEODYSPLASTY; OSTEODYSPLASTY OF MELNICK AND NEEDLES; Melnick-Needles Syndrome (FLNA-MNS). Identifiers: Orphanet 2484, MedGen C0025237, MONDO:0010650, OMIM 309350.

Allele frequency attached by ClinVar (database versions not stated): gnomAD exomes below 0.00001 and 0.00001; ExAC 0.00001; gnomAD 0.00001 and 0.00002; TOPMed 0.00002.
gnomAD v4.1: 4 of 1,210,479 alleles (0.00033%); highest among the groups gnomAD compares: Admixed American, 0.0022%; no homozygotes.

Submissions (7):

Labcorp Genetics (formerly Invitae), Labcorp
Classification: Likely benign for Oto-palato-digital syndrome, type II; Heterotopia, periventricular, X-linked dominant; Frontometaphyseal dysplasia; Melnick-Needles syndrome. Last evaluated: 2024-03-11. Review status: criteria provided, single submitter. Criteria: Invitae Variant Classification Sherloc (09022015). Collection method: clinical testing. Allele origin: germline.

GeneDx
Classification: Uncertain significance. Last evaluated: 2022-12-01. Review status: criteria provided, single submitter. Criteria: GeneDx Variant Classification Process June 2021. Collection method: clinical testing. Allele origin: germline. Affected: yes.
Comment: In silico analysis supports that this missense variant has a deleterious effect on protein structure/function; Has not been previously published as pathogenic or benign to our knowledge

Blueprint Genetics
Classification: Likely benign. Last evaluated: 2022-11-15. Review status: criteria provided, single submitter. Criteria: ACMG Guidelines, 2015. Collection method: clinical testing. Allele origin: germline.

Center for Human Genetics, Inc
Classification: Likely benign for Connective tissue disorder. Last evaluated: 2016-11-01. Review status: criteria provided, single submitter. Criteria: ACMG Guidelines, 2015. Collection method: clinical testing. Allele origin: germline. Affected: yes.

Dr. Peter K. Rogan Lab, Western University
No classification provided (evidence only). Condition: Thyroid cancer, nonmedullary, 1. Review status: no classification provided. Collection method: in vitro. Allele origin: not applicable. Functional consequence: retained intron. Not counted in ClinVar's aggregate classification.

Dr. Peter K. Rogan Lab, Western University
No classification provided (evidence only). Condition: Thyroid cancer, nonmedullary, 1. Review status: no classification provided. Collection method: in vitro. Allele origin: not applicable. Functional consequence: retained intron. Not counted in ClinVar's aggregate classification.

Dr. Peter K. Rogan Lab, Western University
No classification provided (evidence only). Condition: Thyroid cancer, nonmedullary, 1. Review status: no classification provided. Collection method: in vitro. Allele origin: not applicable. Functional consequence: skipped exon. Not counted in ClinVar's aggregate classification.

NM_001110556.2(FLNA):c.1487G>A (p.Arg496Gln)

Gene: FLNA (filamin A; minus strand). Cytogenetic location: Xq28.
Variant type: single nucleotide variant.
Coding change: c.1487G>A on transcript NM_001110556.2 (MANE Select); coding-DNA position 1487, G replaced by A.
Protein change: p.Arg496Gln; replaces arginine 496 with glutamine.
Molecular consequence: missense variant.
Genome position (GRCh38, 1-based): chrX:154,365,429, C>T on the plus strand (G>A on the coding strand, the complement: FLNA is on the minus strand). VCF-style: chrX-154365429-C-T. GRCh37 (hg19) VCF-style: chrX-153593797-C-T.
Other names: c.1487G>A, p.Arg496Gln (NM_001456.4); short protein forms R496Q.
Identifiers: ClinVar variation 547381 (VCV000547381.13), dbSNP rs782539251, ClinGen allele CA10561160.